The following is an entry in ClinVar:

NM_001382567.1(STIM1):c.2020C>T (p.Arg674Cys)

Genes: STIM1 (stromal interaction molecule 1; plus strand), LOC124418421 (Sharpr-MPRA regulatory region 9588; plus strand). Cytogenetic location: 11p15.4.
Variant type: single nucleotide variant.
Coding change: c.2020C>T on transcript NM_001382567.1 (MANE Select); coding-DNA position 2020, C replaced by T.
Protein change: p.Arg674Cys; replaces arginine 674 with cysteine.
Molecular consequence: missense variant. On other transcripts: 3 prime UTR variant (4), non-coding transcript variant (3).
Genome position (GRCh38, 1-based): chr11:4,091,667, C>T. VCF-style: chr11-4091667-C-T. GRCh37 (hg19) VCF-style: chr11-4112897-C-T.
Other names: c.2245C>T, p.Arg749Cys (NM_001277961.3); c.*341C>T (NM_001277962.2, NM_001382578.1, NM_001382579.1 and 1 more transcripts); c.2023C>T, p.Arg675Cys (NM_001382566.1); c.1948C>T, p.Arg650Cys (NM_001382568.1); c.1792C>T, p.Arg598Cys (NM_001382569.1); c.1699C>T, p.Arg567Cys (NM_001382570.1); c.1447C>T, p.Arg483Cys (NM_001382571.1); c.1705C>T, p.Arg569Cys (NM_001382575.1, NM_001382576.1, NM_001382577.1); and 2 more; short protein forms R643C, R749C, R480C, R483C, R567C, R569C, R598C, R650C.
Identifiers: ClinVar variation 855253 (VCV000855253.10), dbSNP rs779108452, ClinGen allele CA216534243.

ClinVar aggregate classification (germline): Uncertain significance (1 of 4 stars; one submission).

Conditions:
Stormorken syndrome (STRMK). Also called: THROMBOCYTOPATHY, ASPLENIA, AND MIOSIS. Identifiers: Orphanet 3204, MedGen C1861451, MONDO:0008497, OMIM 185070.
Combined immunodeficiency due to STIM1 deficiency. Also called: STIM1 DEFICIENCY; IMMUNODEFICIENCY 10. Identifiers: Orphanet 169090, Orphanet 317430, MedGen C2748557, MONDO:0013008, OMIM 612783.
Myopathy with tubular aggregates (TAM). Also called: Tubular Aggregate Myopathy. Identifiers: Orphanet 2593, MedGen C0410207, MONDO:0008051.

Allele frequency attached by ClinVar (database versions not stated): gnomAD 0.00001; TOPMed 0.00002.
gnomAD v4.1: 33 of 1,614,130 alleles (0.002%); highest among the groups gnomAD compares: Non-Finnish European, 0.0027%; no homozygotes.

Submission:

Labcorp Genetics (formerly Invitae), Labcorp
Classification: Uncertain significance for Myopathy with tubular aggregates; Combined immunodeficiency due to STIM1 deficiency; Stormorken syndrome. Last evaluated: 2023-12-07. Review status: criteria provided, single submitter. Criteria: Invitae Variant Classification Sherloc (09022015). Collection method: clinical testing. Allele origin: germline.
Comment: This sequence change replaces arginine, which is basic and polar, with cysteine, which is neutral and slightly polar, at codon 643 of the STIM1 protein (p.Arg643Cys). This variant is not present in population databases (gnomAD no frequency). This variant has not been reported in the literature in individuals affected with STIM1-related conditions. ClinVar contains an entry for this variant (Variation ID: 855253). Advanced modeling of protein sequence and biophysical properties (such as structural, functional, and spatial information, amino acid conservation, physicochemical variation, residue mobility, and thermodynamic stability) has been performed at Invitae for this missense variant, however the output from this modeling did not meet the statistical confidence thresholds required to predict the impact of this variant on STIM1 protein function. In summary, the available evidence is currently insufficient to determine the role of this variant in disease. Therefore, it has been classified as a Variant of Uncertain Significance.